The following is an entry in ClinVar:

NM_000540.3(RYR1):c.9529A>C (p.Thr3177Pro)

Gene: RYR1 (ryanodine receptor 1; plus strand). Cytogenetic location: 19q13.2.
Variant type: single nucleotide variant.
Coding change: c.9529A>C on transcript NM_000540.3 (MANE Select); coding-DNA position 9529, A replaced by C.
Protein change: p.Thr3177Pro; replaces threonine 3177 with proline.
Molecular consequence: missense variant.
Genome position (GRCh38, 1-based): chr19:38,515,082, A>C. VCF-style: chr19-38515082-A-C. GRCh37 (hg19) VCF-style: chr19-39005722-A-C.
Other names: c.9529A>C, p.Thr3177Pro (NM_001042723.2); short protein forms T3177P.
Identifiers: ClinVar variation 3074263 (VCV003074263.1), dbSNP rs2514419489, ClinGen allele CA405688925.

ClinVar aggregate classification (germline): Uncertain significance (1 of 4 stars; one submission).

Conditions:
Malignant hyperthermia, susceptibility to, 1 (MHS1). Also called: Anesthesia related hyperthermia; Malignant hyperpyrexia; Fulminating hyperpyrexia; Pharmacogenic myopathy; RYR1-Related Malignant Hyperthermia Susceptibility; Malignant hyperthermia suceptibility 1. Identifiers: Orphanet 423, MedGen C2930980, MONDO:0007783, OMIM 145600.

Submission:

All of Us Research Program, National Institutes of Health
Classification: Uncertain significance for Malignant hyperthermia, susceptibility to, 1. Last evaluated: 2023-12-01. Review status: criteria provided, single submitter. Criteria: ACMG Guidelines, 2015. Collection method: clinical testing. Allele origin: germline. Inheritance: Autosomal dominant inheritance. Observed: 1 variant allele, 1 heterozygote.
Comment: This study involves interpretation of variants in research participants for the purpose of population health screening. Participant phenotype was not available at the time of variant classification. Additional details can be found in publication PMID: 35346344, PMCID: PMC8962531